The following is an entry in ClinVar:

NM_002617.4(PEX10):c.640C>T (p.Arg214Cys)

Gene: PEX10 (peroxisomal biogenesis factor 10; minus strand). Cytogenetic location: 1p36.32.
Variant type: single nucleotide variant.
Coding change: c.640C>T on transcript NM_002617.4 (MANE Select); coding-DNA position 640, C replaced by T.
Protein change: p.Arg214Cys; replaces arginine 214 with cysteine.
Molecular consequence: missense variant. On other transcripts: non-coding transcript variant (1).
Genome position (GRCh38, 1-based): chr1:2,406,856, G>A on the plus strand (C>T on the coding strand, the complement: PEX10 is on the minus strand). VCF-style: chr1-2406856-G-A. GRCh37 (hg19) VCF-style: chr1-2338295-G-A.
Other names: c.697C>T, p.Arg233Cys (NM_001374425.1); c.265C>T, p.Arg89Cys (NM_001374426.1); c.208C>T, p.Arg70Cys (NM_001374427.1); c.700C>T, p.Arg234Cys (NM_153818.2); short protein forms R234C, R214C, R233C, R70C, R89C.
Identifiers: ClinVar variation 446046 (VCV000446046.6), dbSNP rs536486149, ClinGen allele CA538081.

ClinVar aggregate classification (germline): Uncertain significance. Review status: criteria provided, multiple submitters, no conflicts (2 of 4 stars). 4 submissions from 4 submitters: Uncertain significance (3). 1 of the submissions does not count toward it. Last evaluated 2022-09-01.

Conditions:
Zellweger spectrum disorders (ZS). Also called: Zellweger syndrome; Zellweger Spectrum Disorder (ZSD); Zellweger Spectrum Disorder; Zellweger Spectrum. Identifiers: Orphanet 912, MedGen C0043459, MONDO:0019609.
Inborn genetic diseases. Identifiers: MedGen C0950123, MeSH D030342.
Peroxisome biogenesis disorder, complementation group 7 (CG7). Also called: Peroxisome biogenesis disorder, complementation group B. Identifiers: MedGen C1864399.

Allele frequency attached by ClinVar (database versions not stated): TOPMed 0.00002; gnomAD 0.00005 and 0.00006; gnomAD exomes 0.00006 and 0.00008; ExAC 0.00008; 1000 Genomes Project 30x 0.00016; 1000 Genomes Project 0.00020.
gnomAD v4.1: 123 of 1,609,572 alleles (0.0076%); highest among the groups gnomAD compares: South Asian, 0.021%; 1 homozygote.

Submissions (4):

Labcorp Genetics (formerly Invitae), Labcorp
Classification: Uncertain significance for Peroxisome biogenesis disorder, complementation group 7. Last evaluated: 2022-09-01. Review status: criteria provided, single submitter. Criteria: Invitae Variant Classification Sherloc (09022015). Collection method: clinical testing. Allele origin: germline.
Comment: This sequence change replaces arginine, which is basic and polar, with cysteine, which is neutral and slightly polar, at codon 234 of the PEX10 protein (p.Arg234Cys). This variant is present in population databases (rs536486149, gnomAD 0.02%). This variant has not been reported in the literature in individuals affected with PEX10-related conditions. ClinVar contains an entry for this variant (Variation ID: 446046). Algorithms developed to predict the effect of missense changes on protein structure and function (SIFT, PolyPhen-2, Align-GVGD) all suggest that this variant is likely to be tolerated. In summary, the available evidence is currently insufficient to determine the role of this variant in disease. Therefore, it has been classified as a Variant of Uncertain Significance.

Ambry Genetics
Classification: Uncertain significance for Inborn genetic diseases. Last evaluated: 2021-07-09. Review status: criteria provided, single submitter. Criteria: Ambry Variant Classification Scheme 2023. Collection method: clinical testing. Allele origin: germline.

Center for Pediatric Genomic Medicine, Children's Mercy Hospital and Clinics
Classification: Uncertain significance. Last evaluated: 2017-09-05. Review status: criteria provided, single submitter. Criteria: ACMG Guidelines, 2015. Collection method: clinical testing. Allele origin: germline.

Natera, Inc.
Classification: Uncertain significance for Zellweger syndrome. Last evaluated: 2019-10-28. Review status: no assertion criteria provided. Collection method: clinical testing. Allele origin: germline. Not counted in ClinVar's aggregate classification.